The following is an entry in ClinVar:

ClinVar aggregate classification (germline): Uncertain significance (1 of 4 stars; one submission).

gnomAD v4.1: 6 of 1,572,920 alleles (0.00038%); highest among the groups gnomAD compares: East Asian, 0.007%; no homozygotes.

Submission:

Mayo Clinic Laboratories, Mayo Clinic
Classification: Uncertain significance. Last evaluated: 2025-01-24. Review status: criteria provided, single submitter. Criteria: ACMG Guidelines, 2015. Collection method: clinical testing. Allele origin: germline. Observed: 1 variant allele.
Comment: BP4, PM2_supporting

NM_139343.3(BIN1):c.1361G>A (p.Gly454Glu)

Gene: BIN1 (bridging integrator 1; minus strand). Cytogenetic location: 2q14.3.
Variant type: single nucleotide variant.
Coding change: c.1361G>A on transcript NM_139343.3 (MANE Select); coding-DNA position 1361, G replaced by A.
Protein change: p.Gly454Glu; replaces glycine 454 with glutamic acid.
Molecular consequence: missense variant. On other transcripts: intron variant (9).
Genome position (GRCh38, 1-based): chr2:127,052,265, C>T on the plus strand (G>A on the coding strand, the complement: BIN1 is on the minus strand). VCF-style: chr2-127052265-C-T. GRCh37 (hg19) VCF-style: chr2-127809841-C-T.
Other names: p.Gly454Glu; c.910-1022G>A (NM_139350.3); c.1039-1022G>A (NM_139348.3); c.955-1353G>A (NM_001320632.2); c.955-1022G>A (NM_004305.4); c.1084-1022G>A (NM_139346.3); c.1003-1022G>A (NM_001320633.2); c.1132-1022G>A (NM_001320640.2); and 8 more; short protein forms G336E, G367E, G379E, G423E, G454E, G427E, G411E.
Identifiers: ClinVar variation 4540663 (VCV004540663.1).